The following is an entry in ClinVar:

ClinVar aggregate classification (germline): Likely benign (1 of 4 stars; one submission).

Conditions:
RPGRIP1L-related disorder. Also called: RPGRIP1L-related disorders; RPGRIP1L-related condition. Identifiers: MedGen CN239416.

Submission:

PreventionGenetics, part of Exact Sciences
Classification: Likely benign for RPGRIP1L-related condition. Last evaluated: 2026-04-27. Review status: criteria provided, single submitter. Criteria: ACMG Guidelines, 2015. Collection method: clinical testing. Allele origin: germline.
Comment: This variant is classified as likely benign based on ACMG/AMP sequence variant interpretation guidelines (Richards et al. 2015 PMID: 25741868, with internal and published modifications).

NM_015272.5(RPGRIP1L):c.33C>T (p.Asp11=)

Gene: RPGRIP1L (RPGRIP1 like; minus strand). Cytogenetic location: 16q12.2.
Variant type: single nucleotide variant.
Coding change: c.33C>T on transcript NM_015272.5 (MANE Select); coding-DNA position 33, C replaced by T.
Protein change: p.Asp11=; no amino-acid change (aspartic acid 11 retained).
Molecular consequence: synonymous variant.
Genome position (GRCh38, 1-based): chr16:53,700,691, G>A on the plus strand (C>T on the coding strand, the complement: RPGRIP1L is on the minus strand). VCF-style: chr16-53700691-G-A. GRCh37 (hg19) VCF-style: chr16-53734603-G-A.
Other names: c.33C>T, p.Asp11= (NM_001127897.4, NM_001308334.3, NM_001328422.2 and 2 more transcripts).
Identifiers: ClinVar variation 4992748 (VCV004992748.1).
Genomic context (GRCh38, chr16:53,700,691, plus strand): 5'-GGCCATACCTTGTAACCCTCCCATTCCAAAGAGGTTTAGACCTGTATCTTTCACAGGCAA[G>A]TCTCCTGCAGTCTCATCAGTTGGACCAGACATGGCCTAGCTGTGGAAAAAAGAAAATTCA-3'
Protein context (NP_056087.2, residues 1-21): MSGPTDETAG[Asp11=]LPVKDTGLNL